The following is an entry in ClinVar:

ClinVar aggregate classification (germline): Uncertain significance (1 of 4 stars; one submission).

Allele frequency attached by ClinVar (database versions not stated): gnomAD exomes 0.00001; TOPMed 0.00001.
gnomAD v4.1: 15 of 1,299,136 alleles (0.0012%); highest among the groups gnomAD compares: Non-Finnish European, 0.0014%; no homozygotes.

Submission:

Genetic Services Laboratory, University of Chicago
Classification: Uncertain significance. Last evaluated: 2021-04-09. Review status: criteria provided, single submitter. Criteria: ACMG Guidelines, 2015. Collection method: clinical testing. Allele origin: germline. Affected: no.
Comment: This sequence change does not appear to have been previously described in patients with ERCC6L2-related disorders and has been described in the gnomAD database with a low population frequency of 0.0014% (dbSNP rs924010627). The p.Thr856Ala change affects a poorly conserved amino acid residue located in a domain of the ERCC6L2 protein that is not known to be functional. In-silico pathogenicity prediction tools (SIFT, PolyPhen2, Align GVGD, REVEL) provide contradictory results for the p.Thr856Ala substitution. Due to these contrasting evidences and the lack of functional studies, the clinical significance of the p.Thr856Ala change remains unknown at this time.

NM_020207.7(ERCC6L2):c.2533A>G (p.Thr845Ala)

Gene: ERCC6L2 (ERCC excision repair 6 like 2; plus strand). Cytogenetic location: 9q22.32.
Variant type: single nucleotide variant.
Coding change: c.2533A>G on transcript NM_020207.7 (MANE Select); coding-DNA position 2533, A replaced by G.
Protein change: p.Thr845Ala; replaces threonine 845 with alanine.
Molecular consequence: missense variant. On other transcripts: non-coding transcript variant (1).
Genome position (GRCh38, 1-based): chr9:95,972,284, A>G. VCF-style: chr9-95972284-A-G. GRCh37 (hg19) VCF-style: chr9-98734566-A-G.
Other names: c.2533A>G, p.Thr845Ala (NM_001375291.1, NM_001375292.1, NM_001375293.1 and 1 more transcripts); short protein forms T845A.
Identifiers: ClinVar variation 1337911 (VCV001337911.4), dbSNP rs924010627, ClinGen allele CA196597431.